The following is an entry in ClinVar:

ClinVar aggregate classification (germline): Uncertain significance. Review status: criteria provided, multiple submitters, no conflicts (2 of 4 stars). 2 submissions from 2 submitters: Uncertain significance (2). Last evaluated 2024-02-21.

gnomAD v4.1: 12 of 1,597,866 alleles (0.00075%); highest among the groups gnomAD compares: African/African-American, 0.0027%; no homozygotes.

Submissions (2):

Ambry Genetics
Classification: Uncertain significance. Last evaluated: 2024-02-21. Review status: criteria provided, single submitter. Criteria: Ambry Variant Classification Scheme 2023. Collection method: clinical testing. Allele origin: germline.

Labcorp Genetics (formerly Invitae), Labcorp
Classification: Uncertain significance. Last evaluated: 2022-09-12. Review status: criteria provided, single submitter. Criteria: Invitae Variant Classification Sherloc (09022015). Collection method: clinical testing. Allele origin: germline.
Comment: This sequence change replaces alanine, which is neutral and non-polar, with serine, which is neutral and polar, at codon 240 of the FSCN2 protein (p.Ala240Ser). This variant is present in population databases (no rsID available, gnomAD 0.008%). In summary, the available evidence is currently insufficient to determine the role of this variant in disease. Therefore, it has been classified as a Variant of Uncertain Significance. Algorithms developed to predict the effect of missense changes on protein structure and function (SIFT, PolyPhen-2, Align-GVGD) all suggest that this variant is likely to be tolerated. ClinVar contains an entry for this variant (Variation ID: 1044121). This variant has not been reported in the literature in individuals affected with FSCN2-related conditions.

NM_012418.4(FSCN2):c.718G>T (p.Ala240Ser)

Gene: FSCN2 (fascin actin-bundling protein 2, retinal; plus strand). Cytogenetic location: 17q25.3.
Variant type: single nucleotide variant.
Coding change: c.718G>T on transcript NM_012418.4 (MANE Select); coding-DNA position 718, G replaced by T.
Protein change: p.Ala240Ser; replaces alanine 240 with serine.
Molecular consequence: missense variant.
Genome position (GRCh38, 1-based): chr17:81,529,249, G>T. VCF-style: chr17-81529249-G-T. GRCh37 (hg19) VCF-style: chr17-79496275-G-T.
Other names: c.718G>T (NM_001077182.2); c.718G>T, p.Ala240Ser (NM_001077182.3); short protein forms A240S.
Identifiers: ClinVar variation 1044121 (VCV001044121.9), dbSNP rs370156011, ClinGen allele CA401473547.